The following is an entry in ClinVar:

ClinVar aggregate classification (germline): Likely benign (1 of 4 stars; one submission).

Allele frequency attached by ClinVar (database versions not stated): 1000 Genomes Project 0.00180.
gnomAD v4.1: 53 of 1,612,826 alleles (0.0033%); highest among the groups gnomAD compares: African/African-American, 0.043%; no homozygotes.

Submission:

CeGaT Center for Human Genetics Tuebingen
Classification: Likely benign. Last evaluated: 2022-10-01. Review status: criteria provided, single submitter. Criteria: CeGaT Center For Human Genetics Tuebingen Variant Classification Criteria Version 2. Collection method: clinical testing. Allele origin: germline. Affected: yes. Observed: 1 variant allele.
Comment: ZFHX3: BP4

NM_006885.4(ZFHX3):c.9584C>T (p.Pro3195Leu)

Genes: ZFHX3 (zinc finger homeobox 3; minus strand), ZFHX3-AS1 (ZFHX3 antisense RNA 1; plus strand). Cytogenetic location: 16q22.2.
Variant type: single nucleotide variant.
Coding change: c.9584C>T on transcript NM_006885.4 (MANE Select); coding-DNA position 9584, C replaced by T.
Protein change: p.Pro3195Leu; replaces proline 3195 with leucine.
Molecular consequence: missense variant.
Genome position (GRCh38, 1-based): chr16:72,788,692, G>A on the plus strand (C>T on the coding strand, the complement: ZFHX3 is on the minus strand). VCF-style: chr16-72788692-G-A. GRCh37 (hg19) VCF-style: chr16-72822591-G-A.
Other names: c.6842C>T, p.Pro2281Leu (NM_001164766.2); c.9584C>T, p.Pro3195Leu (NM_001386735.1); short protein forms P2281L, P3195L.
Identifiers: ClinVar variation 2646818 (VCV002646818.24), dbSNP rs146849013, ClinGen allele CA8162821.